The following is an entry in ClinVar:

ClinVar aggregate classification (germline): Uncertain significance. Review status: criteria provided, multiple submitters, no conflicts (2 of 4 stars). 2 submissions from 2 submitters: Uncertain significance (2). Last evaluated 2024-05-15.

Conditions:
Hereditary cancer-predisposing syndrome. Also called: Hereditary neoplastic syndrome; Tumor predisposition; Neoplastic Syndromes, Hereditary; Hereditary Cancer Syndrome. Identifiers: Orphanet 140162, MedGen C0027672, MeSH D009386, MONDO:0015356.

Submissions (2):

Ambry Genetics
Classification: Uncertain significance for Hereditary cancer-predisposing syndrome. Last evaluated: 2024-05-15. Review status: criteria provided, single submitter. Criteria: Ambry Variant Classification Scheme 2023. Collection method: clinical testing. Allele origin: germline.
Comment: The p.E516D variant (also known as c.1548G>C), located in coding exon 11 of the CTNNA1 gene, results from a G to C substitution at nucleotide position 1548. The glutamic acid at codon 516 is replaced by aspartic acid, an amino acid with highly similar properties. This amino acid position is conserved. In addition, the in silico prediction for this alteration is inconclusive. Based on the available evidence, the clinical significance of this variant remains unclear.

Labcorp Genetics (formerly Invitae), Labcorp
Classification: Uncertain significance. Last evaluated: 2021-09-10. Review status: criteria provided, single submitter. Criteria: Invitae Variant Classification Sherloc (09022015). Collection method: clinical testing. Allele origin: germline.
Comment: In summary, the available evidence is currently insufficient to determine the role of this variant in disease. Therefore, it has been classified as a Variant of Uncertain Significance. Algorithms developed to predict the effect of missense changes on protein structure and function are either unavailable or do not agree on the potential impact of this missense change (SIFT: "Deleterious"; PolyPhen-2: "Possibly Damaging"; Align-GVGD: "Class C0"). This variant has not been reported in the literature in individuals affected with CTNNA1-related conditions. This variant is not present in population databases (ExAC no frequency). This sequence change replaces glutamic acid with aspartic acid at codon 516 of the CTNNA1 protein (p.Glu516Asp). The glutamic acid residue is highly conserved and there is a small physicochemical difference between glutamic acid and aspartic acid.

NM_001903.5(CTNNA1):c.1548G>C (p.Glu516Asp)

Gene: CTNNA1 (catenin alpha 1; plus strand). Cytogenetic location: 5q31.2.
Variant type: single nucleotide variant.
Coding change: c.1548G>C on transcript NM_001903.5 (MANE Select); coding-DNA position 1548, G replaced by C.
Protein change: p.Glu516Asp; replaces glutamic acid 516 with aspartic acid.
Molecular consequence: missense variant.
Genome position (GRCh38, 1-based): chr5:138,924,511, G>C. VCF-style: chr5-138924511-G-C. GRCh37 (hg19) VCF-style: chr5-138260200-G-C.
Other names: c.1548G>C (NM_001903.2); c.1548G>C, p.Glu516Asp (NM_001290307.3, NM_001323982.2, NM_001323983.1 and 2 more transcripts); c.1239G>C, p.Glu413Asp (NM_001290309.3); c.1179G>C, p.Glu393Asp (NM_001290310.3); c.438G>C, p.Glu146Asp (NM_001290312.1, NM_001323987.1, NM_001323988.1 and 17 more transcripts); c.1455G>C, p.Glu485Asp (NM_001323986.2); c.99G>C, p.Glu33Asp (NM_001324006.1, NM_001324007.1, NM_001324008.1 and 2 more transcripts); c.345G>C, p.Glu115Asp (NM_001324011.1); and 1 more; short protein forms E115D, E146D, E413D, E485D, E33D, E65D, E393D, E516D.
Identifiers: ClinVar variation 954525 (VCV000954525.8), dbSNP rs1763594018, ClinGen allele CA361131671.
Genomic context (GRCh38, chr5:138,924,511, plus strand): 5'-AGTTGCCACCTTTTCATAGAAAGCCTCCTTCCTCATTCAACTTTTTGCTTGTTCTCCAGA[G>C]AATCACATTTTGGAAGATGTGAACAAATGTGTCATTGCTCTCCAAGAGAAGGATGTGGAT-3'
Protein context (NP_001894.2, residues 506-526): TSIDDFLAVS[Glu516Asp]NHILEDVNKC